The following is an entry in ClinVar:

ClinVar aggregate classification (germline): Likely benign (1 of 4 stars; one submission).

Conditions:
CHMP4B-related disorder. Also called: CHMP4B-related condition.

gnomAD v4.1: 17 of 1,614,098 alleles (0.0011%); highest among the groups gnomAD compares: Admixed American, 0.0033%; no homozygotes.

Submission:

PreventionGenetics, part of Exact Sciences
Classification: Likely benign for CHMP4B-related condition. Last evaluated: 2025-03-25. Review status: criteria provided, single submitter. Criteria: ACMG Guidelines, 2015. Collection method: clinical testing. Allele origin: germline.
Comment: This variant is classified as likely benign based on ACMG/AMP sequence variant interpretation guidelines (Richards et al. 2015 PMID: 25741868, with internal and published modifications).

NM_176812.5(CHMP4B):c.498G>A (p.Ala166=)

Gene: CHMP4B (charged multivesicular body protein 4B; plus strand). Cytogenetic location: 20q11.22.
Variant type: single nucleotide variant.
Coding change: c.498G>A on transcript NM_176812.5 (MANE Select); coding-DNA position 498, G replaced by A.
Protein change: p.Ala166=; no amino-acid change (alanine 166 retained).
Molecular consequence: synonymous variant.
Genome position (GRCh38, 1-based): chr20:33,852,091, G>A. VCF-style: chr20-33852091-G-A. GRCh37 (hg19) VCF-style: chr20-32439897-G-A.
Identifiers: ClinVar variation 4986362 (VCV004986362.1).